The following is an entry in ClinVar:

ClinVar aggregate classification (germline): Uncertain significance (1 of 4 stars; one submission).

Conditions:
Epidermodysplasia verruciformis. Identifiers: Orphanet 302, MedGen C0014522, MONDO:0009176.

Allele frequency attached by ClinVar (database versions not stated): gnomAD exomes 0.00001.
gnomAD v4.1: 8 of 1,613,798 alleles (0.0005%); highest among the groups gnomAD compares: African/African-American, 0.0013%; no homozygotes.

Submission:

Labcorp Genetics (formerly Invitae), Labcorp
Classification: Uncertain significance for Epidermodysplasia verruciformis. Last evaluated: 2022-01-12. Review status: criteria provided, single submitter. Criteria: Invitae Variant Classification Sherloc (09022015). Collection method: clinical testing. Allele origin: germline.
Comment: Algorithms developed to predict the effect of missense changes on protein structure and function output the following: SIFT: "Deleterious"; PolyPhen-2: "Benign"; Align-GVGD: "Class C0". The methionine amino acid residue is found in multiple mammalian species, which suggests that this missense change does not adversely affect protein function. This variant has not been reported in the literature in individuals affected with TMC8-related conditions. This variant is not present in population databases (gnomAD no frequency). This sequence change replaces isoleucine, which is neutral and non-polar, with methionine, which is neutral and non-polar, at codon 509 of the TMC8 protein (p.Ile509Met). In summary, the available evidence is currently insufficient to determine the role of this variant in disease. Therefore, it has been classified as a Variant of Uncertain Significance.

NM_152468.5(TMC8):c.1527C>G (p.Ile509Met)

Genes: TMC8 (transmembrane channel like 8; plus strand), LOC130061795 (ATAC-STARR-seq lymphoblastoid active region 12864; plus strand). Cytogenetic location: 17q25.3.
Variant type: single nucleotide variant.
Coding change: c.1527C>G on transcript NM_152468.5 (MANE Select); coding-DNA position 1527, C replaced by G.
Protein change: p.Ile509Met; replaces isoleucine 509 with methionine.
Molecular consequence: missense variant.
Genome position (GRCh38, 1-based): chr17:78,138,182, C>G. VCF-style: chr17-78138182-C-G. GRCh37 (hg19) VCF-style: chr17-76134263-C-G.
Other names: short protein forms I509M.
Identifiers: ClinVar variation 2081254 (VCV002081254.4), dbSNP rs2510812598, ClinGen allele CA401251142.